The following is an entry in ClinVar:

ClinVar aggregate classification (germline): Likely benign (1 of 4 stars; one submission).

Allele frequency attached by ClinVar (database versions not stated): ExAC 0.00044; TOPMed 0.00059; ESP Exome Variant Server 0.00062; gnomAD 0.00067; gnomAD exomes 0.00141.
gnomAD v4.1: 2,113 of 1,613,966 alleles (0.13%); highest among the groups gnomAD compares: Non-Finnish European, 0.17%; 3 homozygotes.

Submission:

CeGaT Center for Human Genetics Tuebingen
Classification: Likely benign. Last evaluated: 2022-07-01. Review status: criteria provided, single submitter. Criteria: CeGaT Center For Human Genetics Tuebingen Variant Classification Criteria Version 2. Collection method: clinical testing. Allele origin: germline. Affected: yes. Observed: 1 variant allele.
Comment: LSG1: BP4, BP7

NM_018385.3(LSG1):c.975C>T (p.Asp325=)

Gene: LSG1 (large 60S subunit nuclear export GTPase 1; minus strand). Cytogenetic location: 3q29.
Variant type: single nucleotide variant.
Coding change: c.975C>T on transcript NM_018385.3 (MANE Select); coding-DNA position 975, C replaced by T.
Protein change: p.Asp325=; no amino-acid change (aspartic acid 325 retained).
Molecular consequence: synonymous variant.
Genome position (GRCh38, 1-based): chr3:194,652,927, G>A on the plus strand (C>T on the coding strand, the complement: LSG1 is on the minus strand). VCF-style: chr3-194652927-G-A. GRCh37 (hg19) VCF-style: chr3-194373656-G-A.
Identifiers: ClinVar variation 2654364 (VCV002654364.24), dbSNP rs201569117, ClinGen allele CA2763305.
Genomic context (GRCh38, chr3:194,652,927, plus strand): 5'-CTCAGAATCTGCAGTAGAGCTTTCCTTCCAGTCCTGGCTGCAGTCCTCTTCCTTGGGACC[G>A]TCTTCTTCTGAGCACGTCTGCCAGTCGTCTTCCTCCTCCTCTGGACAGTCCTCATACTCA-3'
Protein context (NP_060855.2, residues 315-335): EDDWQTCSEE[Asp325=]GPKEEDCSQD